The following is an entry in ClinVar:

ClinVar aggregate classification (germline): Uncertain significance (1 of 4 stars; one submission).

Submission:

Laboratory for Molecular Medicine, Mass General Brigham Personalized Medicine
Classification: Uncertain significance. Last evaluated: 2012-07-18. Review status: criteria provided, single submitter. Criteria: LMM Criteria. Collection method: clinical testing. Allele origin: germline. Observed: 1 variant allele.
Comment: The Gln2295His variant in DSP has not been reported in the literature nor previo usly identified by our laboratory. Computational analyses (biochemical amino ac id properties, conservation, PolyPhen2, and SIFT) suggest that the Gln2295His va riant may impact the protein, though this information is not predictive enough t o determine pathogenicity. Additional information is needed to fully assess the clinical significance of the Gln2295His variant.

NM_004415.4(DSP):c.6885A>T (p.Gln2295His)

Gene: DSP (desmoplakin; plus strand). Cytogenetic location: 6p24.3.
Variant type: single nucleotide variant.
Coding change: c.6885A>T on transcript NM_004415.4 (MANE Select); coding-DNA position 6885, A replaced by T.
Protein change: p.Gln2295His; replaces glutamine 2295 with histidine.
Molecular consequence: missense variant.
Genome position (GRCh38, 1-based): chr6:7,584,147, A>T. VCF-style: chr6-7584147-A-T. GRCh37 (hg19) VCF-style: chr6-7584380-A-T.
Other names: c.5088A>T, p.Gln1696His (NM_001008844.3); c.5556A>T, p.Gln1852His (NM_001319034.2); short protein forms Q2295H, Q1852H, Q1696H.
Identifiers: ClinVar variation 44944 (VCV000044944.4), dbSNP rs397516954, ClinGen allele CA007065.